The following is an entry in ClinVar:

ClinVar aggregate classification (germline): Uncertain significance (1 of 4 stars; one submission).

gnomAD v4.1: 1 of 1,613,448 alleles (0.000062%); highest among the groups gnomAD compares: Non-Finnish European, 0.000085%; no homozygotes.

Submission:

GeneDx
Classification: Uncertain significance. Last evaluated: 2024-04-01. Review status: criteria provided, single submitter. Criteria: GeneDx Variant Classification Process June 2021. Collection method: clinical testing. Allele origin: germline. Affected: yes.
Comment: Not observed at significant frequency in large population cohorts (gnomAD); In silico analysis supports that this missense variant has a deleterious effect on protein structure/function; Has not been previously published as pathogenic or benign to our knowledge

NM_003070.5(SMARCA2):c.4408G>A (p.Asp1470Asn)

Gene: SMARCA2 (SWI/SNF related BAF chromatin remodeling complex subunit ATPase 2; plus strand). Cytogenetic location: 9p24.3.
Variant type: single nucleotide variant.
Coding change: c.4408G>A on transcript NM_003070.5 (MANE Select); coding-DNA position 4408, G replaced by A.
Protein change: p.Asp1470Asn; replaces aspartic acid 1470 with asparagine.
Molecular consequence: missense variant.
Genome position (GRCh38, 1-based): chr9:2,182,189, G>A. VCF-style: chr9-2182189-G-A. GRCh37 (hg19) VCF-style: chr9-2182189-G-A.
Other names: c.4408G>A, p.Asp1470Asn (NM_001289396.2); c.4180G>A, p.Asp1394Asn (NM_001289397.2); c.382G>A, p.Asp128Asn (NM_001289398.2); c.466G>A, p.Asp156Asn (NM_001289399.2); c.472G>A, p.Asp158Asn (NM_001289400.2); c.4354G>A, p.Asp1452Asn (NM_139045.4); short protein forms D128N, D1394N, D1452N, D1470N, D156N, D158N.
Identifiers: ClinVar variation 3371758 (VCV003371758.1).